The following is an entry in ClinVar:

ClinVar aggregate classification (germline): Uncertain significance (1 of 4 stars; one submission).

Allele frequency attached by ClinVar (database versions not stated): gnomAD exomes below 0.00001; gnomAD 0.00001; TOPMed 0.00002.
gnomAD v4.1: 4 of 1,611,432 alleles (0.00025%); highest among the groups gnomAD compares: African/African-American, 0.0027%; no homozygotes.

Submission:

Labcorp Genetics (formerly Invitae), Labcorp
Classification: Uncertain significance. Last evaluated: 2025-08-09. Review status: criteria provided, single submitter. Criteria: Invitae Variant Classification Sherloc (09022015). Collection method: clinical testing. Allele origin: germline.
Comment: This sequence change replaces serine, which is neutral and polar, with phenylalanine, which is neutral and non-polar, at codon 166 of the GRIN2D protein (p.Ser166Phe). This variant is not present in population databases (gnomAD no frequency). This variant has not been reported in the literature in individuals affected with GRIN2D-related conditions. ClinVar contains an entry for this variant (Variation ID: 1434046). Invitae Evidence Modeling of protein sequence and biophysical properties (such as structural, functional, and spatial information, amino acid conservation, physicochemical variation, residue mobility, and thermodynamic stability) indicates that this missense variant is not expected to disrupt GRIN2D protein function with a negative predictive value of 80%. In summary, the available evidence is currently insufficient to determine the role of this variant in disease. Therefore, it has been classified as a Variant of Uncertain Significance.

NM_000836.4(GRIN2D):c.497C>T (p.Ser166Phe)

Gene: GRIN2D (glutamate ionotropic receptor NMDA type subunit 2D; plus strand). Cytogenetic location: 19q13.33.
Variant type: single nucleotide variant.
Coding change: c.497C>T on transcript NM_000836.4 (MANE Select); coding-DNA position 497, C replaced by T.
Protein change: p.Ser166Phe; replaces serine 166 with phenylalanine.
Molecular consequence: missense variant.
Genome position (GRCh38, 1-based): chr19:48,404,765, C>T. VCF-style: chr19-48404765-C-T. GRCh37 (hg19) VCF-style: chr19-48908022-C-T.
Other names: short protein forms S166F.
Identifiers: ClinVar variation 1434046 (VCV001434046.6), dbSNP rs939536813, ClinGen allele CA309331007.